The following is an entry in ClinVar:

ClinVar aggregate classification (germline): Pathogenic. Review status: criteria provided, multiple submitters, no conflicts (2 of 4 stars). 5 submissions from 5 submitters: Pathogenic (4). 1 of the submissions does not count toward it. Last evaluated 2025-06-25.

Conditions:
Familial cancer of breast. Also called: Hereditary breast cancer; hereditary breast carcinoma; BREAST CANCER, FAMILIAL. Identifiers: Orphanet 227535, MedGen C0346153, MONDO:0016419, OMIM 114480. Disease mechanism: loss of function.
Hereditary cancer-predisposing syndrome. Also called: Hereditary neoplastic syndrome; Tumor predisposition; Neoplastic Syndromes, Hereditary; Hereditary Cancer Syndrome. Identifiers: Orphanet 140162, MedGen C0027672, MeSH D009386, MONDO:0015356.
ATM-related disorder. Also called: ATM-related disorders; ATM-related condition.
Ataxia-telangiectasia syndrome (AT). Also called: LOUIS-BAR SYNDROME; Ataxia telangiectasia (A-T); Cerebello-oculocutaneous telangiectasia; Immunodeficiency with ataxia telangiectasia; ATAXIA-TELANGIECTASIA, COMPLEMENTATION GROUP A; ATAXIA-TELANGIECTASIA, FRESNO VARIANT. Identifiers: Orphanet 100, MedGen C0004135, MONDO:0008840, OMIM 208900.

Submissions (5):

GeneKor MSA
Classification: Pathogenic for Hereditary cancer-predisposing syndrome. Last evaluated: 2025-06-25. Review status: criteria provided, single submitter. Criteria: ACMG Guidelines, 2015. Collection method: clinical testing. Allele origin: germline. Affected: yes.
Comment: This variant is a single base substitution at nucleotide position 1333 of the ATM gene, replacing Glutamine with a termination stop signal at codon 445. This results in the production of a truncated, non-functional protein.oss-of-function variants in ATM are known to be pathogenic (PMID:23807571, 25614872). This variant is not present in population databases. ClinVar contains entries for this variant (VCV000952734.9) and it has been reported in patients with breast cancer (PMID:29506079). Based on the classification criteria set by the ACMG and AMP, this variant has been classified as pathogenic.

Molecular Pathology, Peter Maccallum Cancer Centre
Classification: Pathogenic for Ataxia-telangiectasia syndrome. Last evaluated: 2025-04-10. Review status: criteria provided, single submitter. Criteria: ACMG Guidelines, 2015. Collection method: clinical testing. Allele origin: germline. Inheritance: Autosomal recessive inheritance.

Myriad Genetics, Inc.
Classification: Pathogenic for Familial cancer of breast. Last evaluated: 2024-01-16. Review status: criteria provided, single submitter. Criteria: Myriad Autosomal Dominant, Autosomal Recessive and X-Linked Classification Criteria (2023). Collection method: clinical testing. Allele origin: unknown.
Comment: This variant is considered pathogenic. This variant creates a termination codon and is predicted to result in premature protein truncation.

Labcorp Genetics (formerly Invitae), Labcorp
Classification: Pathogenic for Ataxia-telangiectasia syndrome. Last evaluated: 2022-10-04. Review status: criteria provided, single submitter. Criteria: Invitae Variant Classification Sherloc (09022015). Collection method: clinical testing. Allele origin: germline.
Comment: For these reasons, this variant has been classified as Pathogenic. ClinVar contains an entry for this variant (Variation ID: 952734). This premature translational stop signal has been observed in individual(s) with breast cancer (PMID: 29506079). This variant is not present in population databases (gnomAD no frequency). This sequence change creates a premature translational stop signal (p.Gln445*) in the ATM gene. It is expected to result in an absent or disrupted protein product. Loss-of-function variants in ATM are known to be pathogenic (PMID: 23807571, 25614872).

PreventionGenetics, part of Exact Sciences
Classification: Pathogenic for ATM-related condition. Last evaluated: 2024-06-21. Review status: no assertion criteria provided. Collection method: clinical testing. Allele origin: germline. Not counted in ClinVar's aggregate classification.
Comment: The ATM c.1333C>T variant is predicted to result in premature protein termination (p.Gln445*). This variant has been reported in an individual with breast cancer (Table S1, Weigelt et al. 2018. PubMed ID: 29506079). This variant has not been reported in a large population database, indicating this variant is rare. This variant is interpreted as pathogenic in ClinVar. Nonsense variants in ATM are expected to be pathogenic. This variant is interpreted as pathogenic.

Literature cited by the submitters: PubMed 23807571 (cited by GeneKor MSA and Labcorp Genetics (formerly Invitae), Labcorp); PubMed 25614872 (cited by GeneKor MSA and Labcorp Genetics (formerly Invitae), Labcorp); PubMed 29506079 (cited by GeneKor MSA and Labcorp Genetics (formerly Invitae), Labcorp).

NM_000051.4(ATM):c.1333C>T (p.Gln445Ter)

Gene: ATM (ATM serine/threonine kinase; plus strand). Cytogenetic location: 11q22.3.
Variant type: single nucleotide variant.
Coding change: c.1333C>T on transcript NM_000051.4 (MANE Select); coding-DNA position 1333, C replaced by T.
Protein change: p.Gln445Ter; replaces glutamine 445 with a stop codon.
Molecular consequence: nonsense.
Genome position (GRCh38, 1-based): chr11:108,250,798, C>T. VCF-style: chr11-108250798-C-T. GRCh37 (hg19) VCF-style: chr11-108121525-C-T.
Other names: c.1333C>T, p.Gln445Ter (NM_001351834.2); short protein forms Q445*.
Identifiers: ClinVar variation 952734 (VCV000952734.11), dbSNP rs2080097197, ClinGen allele CA382533714.
Genomic context (GRCh38, chr11:108,250,798, plus strand): 5'-GCAAGTTTACCTAACTGTGAGCTGTCTCCATTACTGATGATACTATCTCAGCTTCTACCC[C>T]AACAGCGACATGGGGAACGTACACCATATGTGTTACGATGCCTTACGGAAGTTGCATTGT-3'